The following is an entry in ClinVar:

ClinVar aggregate classification (germline): Uncertain significance (1 of 4 stars; one submission).

Submission:

Ambry Genetics
Classification: Uncertain significance. Last evaluated: 2024-09-30. Review status: criteria provided, single submitter. Criteria: Ambry Variant Classification Scheme 2023. Collection method: clinical testing. Allele origin: germline.
Comment: The p.S1422L variant (also known as c.4265C>T), located in coding exon 39 of the KIF1B gene, results from a C to T substitution at nucleotide position 4265. The serine at codon 1422 is replaced by leucine, an amino acid with dissimilar properties. This amino acid position is conserved. In addition, this alteration is predicted to be deleterious by in silico analysis. Based on the available evidence, the clinical significance of this variant remains unclear.

NM_001365951.3(KIF1B):c.4403C>T (p.Ser1468Leu)

Gene: KIF1B (kinesin family member 1B; plus strand). Cytogenetic location: 1p36.22.
Variant type: single nucleotide variant.
Coding change: c.4403C>T on transcript NM_001365951.3 (MANE Select); coding-DNA position 4403, C replaced by T.
Protein change: p.Ser1468Leu; replaces serine 1468 with leucine.
Molecular consequence: missense variant.
Genome position (GRCh38, 1-based): chr1:10,365,136, C>T. VCF-style: chr1-10365136-C-T. GRCh37 (hg19) VCF-style: chr1-10425194-C-T.
Other names: c.4403C>T, p.Ser1468Leu (NM_001365952.1); c.4265C>T, p.Ser1422Leu (NM_015074.3); short protein forms S1422L, S1468L.
Identifiers: ClinVar variation 3534031 (VCV003534031.1).
Genomic context (GRCh38, chr1:10,365,136, plus strand): 5'-AAAACTTGTTTCCTCTTGTCTTAGGTATGCAGAGAAGGAGAAGAAAAATCTTAGATACGT[C>T]AGTGGCATATGTGCGGGGAGAAGAGAACTTAGCAGGCTGGCGGCCCCGTGGAGACAGCCT-3'
Protein context (NP_001352880.1, residues 1458-1478): QRRRRKILDT[Ser1468Leu]VAYVRGEENL